The following is an entry in ClinVar:

ClinVar aggregate classification (germline): Likely pathogenic (1 of 4 stars; one submission).

Conditions:
Nephrotic syndrome. Identifiers: MedGen C0027726, MONDO:0005377, HP:0000100.

Allele frequency attached by ClinVar (database versions not stated): TOPMed 0.00003; gnomAD exomes 0.00004 and 0.00024; ExAC 0.00006; 1000 Genomes Project 30x 0.00031; 1000 Genomes Project 0.00040.

Submission:

Precision Medicine Center, Zhengzhou University
Classification: Likely pathogenic for Nephrotic syndrome. Review status: criteria provided, single submitter. Criteria: ACMG Guidelines, 2015. Collection method: research. Allele origin: germline. Affected: yes.
Comment: PM1:Located in well-established functional domain PP1:Cosegregation with disease in multiple affected family members PP3:Multiple lines of computational evidence support a deleterious effect on the gene or gene product PP4:Patient's phenotype is highly specific for a disease PP5:Reputable source recently reports variant as pathogenic

NM_005560.6(LAMA5):c.8488G>A (p.Ala2830Thr)

Gene: LAMA5 (laminin subunit alpha 5; minus strand). Cytogenetic location: 20q13.33.
Variant type: single nucleotide variant.
Coding change: c.8488G>A on transcript NM_005560.6 (MANE Select); coding-DNA position 8488, G replaced by A.
Protein change: p.Ala2830Thr; replaces alanine 2830 with threonine.
Molecular consequence: missense variant.
Genome position (GRCh38, 1-based): chr20:62,314,320, C>T on the plus strand (G>A on the coding strand, the complement: LAMA5 is on the minus strand). VCF-style: chr20-62314320-C-T. GRCh37 (hg19) VCF-style: chr20-60889376-C-T.
Other names: short protein forms A2830T.
Identifiers: ClinVar variation 1077029 (VCV001077029.1), dbSNP rs202119339, ClinGen allele CA9940700.